The following is an entry in ClinVar:

ClinVar aggregate classification (germline): Uncertain significance (1 of 4 stars; one submission).

Submission:

Greenwood Genetic Center Diagnostic Laboratories, Greenwood Genetic Center
Classification: Uncertain significance. Last evaluated: 2022-10-11. Review status: criteria provided, single submitter. Criteria: ACMG Guidelines, 2015. Collection method: clinical testing. Allele origin: germline. Affected: yes.
Comment: PM2

NM_000271.5(NPC1):c.440A>T (p.Tyr147Phe)

Gene: NPC1 (NPC intracellular cholesterol transporter 1; minus strand). Cytogenetic location: 18q11.2.
Variant type: single nucleotide variant.
Coding change: c.440A>T on transcript NM_000271.5 (MANE Select); coding-DNA position 440, A replaced by T.
Protein change: p.Tyr147Phe; replaces tyrosine 147 with phenylalanine.
Molecular consequence: missense variant.
Genome position (GRCh38, 1-based): chr18:23,568,846, T>A on the plus strand (A>T on the coding strand, the complement: NPC1 is on the minus strand). VCF-style: chr18-23568846-T-A. GRCh37 (hg19) VCF-style: chr18-21148810-T-A.
Other names: short protein forms Y147F.
Identifiers: ClinVar variation 2429063 (VCV002429063.3), dbSNP rs2511340763, ClinGen allele CA401784890.